The following is an entry in ClinVar:

ClinVar aggregate classification (germline): Likely pathogenic (1 of 4 stars; one submission).

Conditions:
Autosomal recessive nonsyndromic hearing loss 21. Identifiers: Orphanet 90636, MedGen C1863655, MONDO:0011351, OMIM 603629.

gnomAD v4.1: 5 of 1,614,246 alleles (0.00031%); highest among the groups gnomAD compares: Non-Finnish European, 0.00042%; no homozygotes.

Submission:

Women's Health and Genetics/Laboratory Corporation of America, LabCorp
Classification: Likely pathogenic for Autosomal recessive nonsyndromic hearing loss 21. Last evaluated: 2026-05-29. Review status: criteria provided, single submitter. Criteria: LabCorp Variant Classification Summary - May 2015. Collection method: clinical testing. Allele origin: germline.
Comment: Variant summary: TECTA c.6026T>C (p.Ile2009Thr) results in a non-conservative amino acid change in the encoded protein sequence. Algorithms developed to predict the effect of missense changes on protein structure and function all suggest that this variant is likely to be disruptive. The variant was absent in 251468 control chromosomes. c.6026T>C has been observed in homozygous state in 2 related individual(s) affected with clinical features of Deafness, Autosomal Recessive 21 (internal data). It has also been observed in the presumed heterozygous state in a family with unclear segregation data but a phenotypic pattern suggesting autosomal dominant transmission, however these data were not verifiable and the diagnostic sensitivity of the study was poor (example, Hildebrand_2011). These data indicate that the variant is likely to be associated with disease. To our knowledge, no experimental evidence demonstrating an impact on protein function has been reported. The following publication has been ascertained in the context of this evaluation (PMID: 21520338). ClinVar contains an entry for this variant (Variation ID: 3769085). While this variant has been reported in the literature, the clinical significance of the variant for Deafness, Autosomal Dominant 12 could not be established. Based on the evidence outlined above, the variant was classified as likely pathogenic for Deafness, Autosomal Recessive 21.

Literature cited by the submitters: PubMed 21520338.

NM_005422.4(TECTA):c.6026T>C (p.Ile2009Thr)

Genes: TBCEL-TECTA (TBCEL-TECTA readthrough; plus strand), TECTA (tectorin alpha; plus strand). Cytogenetic location: 11q23.3.
Variant type: single nucleotide variant.
Coding change: c.6026T>C on transcript NM_005422.4 (MANE Select); coding-DNA position 6026, T replaced by C.
Protein change: p.Ile2009Thr; replaces isoleucine 2009 with threonine.
Molecular consequence: missense variant.
Genome position (GRCh38, 1-based): chr11:121,187,858, T>C. VCF-style: chr11-121187858-T-C. GRCh37 (hg19) VCF-style: chr11-121058567-T-C.
Other names: c.6968T>C, p.Ile2323Thr (NM_001378761.1); short protein forms I2009T, I2323T.
Identifiers: ClinVar variation 3769085 (VCV003769085.3).